The following is an entry in ClinVar:

NM_144670.6(A2ML1):c.2234+16A>G

Gene: A2ML1 (alpha-2-macroglobulin like 1; plus strand). Cytogenetic location: 12p13.31.
Variant type: single nucleotide variant.
Coding change: c.2234+16A>G on transcript NM_144670.6 (MANE Select); 16 bases into the intron after coding-DNA position 2234, A replaced by G.
Molecular consequence: intron variant.
Genome position (GRCh38, 1-based): chr12:8,850,290, A>G. VCF-style: chr12-8850290-A-G. GRCh37 (hg19) VCF-style: chr12-9002886-A-G.
Other names: c.761+16A>G (NM_001282424.3).
Identifiers: ClinVar variation 1217299 (VCV001217299.11), dbSNP rs560345386, ClinGen allele CA6435945.
Genomic context (GRCh38, chr12:8,850,290, plus strand): 5'-CCAGTACTTCCCAGAGACCTGGCTCTGGGATCTGTTTCCTATTGGGTAAGTGATGACTCA[A>G]AAGTACAGTAAAGGGCCAGGTGCATGGCTCACGCCTGTAATCCCAACACTTTGGGAGGCT-3'

ClinVar aggregate classification (germline): Benign. Review status: criteria provided, multiple submitters, no conflicts (2 of 4 stars). 3 submissions from 3 submitters: Benign (3). Last evaluated 2025-10-20.

Allele frequency attached by ClinVar (database versions not stated): gnomAD 0.00017; ExAC 0.00084; TOPMed 0.00003; gnomAD exomes 0.00072; 1000 Genomes Project 0.00180; 1000 Genomes Project 30x 0.00187.
gnomAD v4.1: 493 of 1,585,366 alleles (0.031%); highest among the groups gnomAD compares: South Asian, 0.52%; 6 homozygotes.

Submissions (3):

Labcorp Genetics (formerly Invitae), Labcorp
Classification: Benign. Last evaluated: 2025-10-20. Review status: criteria provided, single submitter. Criteria: Invitae Variant Classification Sherloc (09022015). Collection method: clinical testing. Allele origin: germline.

Women's Health and Genetics/Laboratory Corporation of America, LabCorp
Classification: Benign. Last evaluated: 2021-08-09. Review status: criteria provided, single submitter. Criteria: LabCorp Variant Classification Summary - May 2015. Collection method: clinical testing. Allele origin: germline.
Comment: Variant summary: A2ML1 c.2234+16A>G alters a non-conserved nucleotide located close to a canonical splice site and therefore could affect mRNA splicing, leading to a significantly altered protein sequence. 4/4 computational tools predict no significant impact on normal splicing. However, these predictions have yet to be confirmed by functional studies. The variant allele was found at a frequency of 0.00072 in 231686 control chromosomes in the gnomAD database, including 2 homozygotes. The observed variant frequency is approximately 179 fold of the estimated maximal expected allele frequency for a pathogenic variant in A2ML1 causing Noonan Syndrome phenotype (4e-06), strongly suggesting that the variant is benign. To our knowledge, no occurrence of c.2234+16A>G in individuals affected with Noonan Syndrome and no experimental evidence demonstrating its impact on protein function have been reported. No clinical diagnostic laboratories have submitted clinical-significance assessments for this variant to ClinVar after 2014. Based on the evidence outlined above, the variant was classified as benign.

GeneDx
Classification: Benign. Last evaluated: 2021-05-25. Review status: criteria provided, single submitter. Criteria: GeneDx Variant Classification Process June 2021. Collection method: clinical testing. Allele origin: germline. Affected: yes.